The following is an entry in ClinVar:

ClinVar aggregate classification (germline): Uncertain significance (1 of 4 stars; one submission).

Submission:

GeneDx
Classification: Uncertain significance. Last evaluated: 2023-07-09. Review status: criteria provided, single submitter. Criteria: GeneDx Variant Classification Process June 2021. Collection method: clinical testing. Allele origin: germline. Affected: yes.
Comment: Has not been previously published as pathogenic or benign to our knowledge; Not observed at significant frequency in large population cohorts (gnomAD); In silico analysis supports that this missense variant has a deleterious effect on protein structure/function

NM_004187.5(KDM5C):c.307C>G (p.Pro103Ala)

Gene: KDM5C (lysine demethylase 5C; minus strand). Cytogenetic location: Xp11.22.
Variant type: single nucleotide variant.
Coding change: c.307C>G on transcript NM_004187.5 (MANE Select); coding-DNA position 307, C replaced by G.
Protein change: p.Pro103Ala; replaces proline 103 with alanine.
Molecular consequence: missense variant. On other transcripts: non-coding transcript variant (2), intron variant (1).
Genome position (GRCh38, 1-based): chrX:53,218,320, G>C on the plus strand (C>G on the coding strand, the complement: KDM5C is on the minus strand). VCF-style: chrX-53218320-G-C. GRCh37 (hg19) VCF-style: chrX-53247502-G-C.
Other names: c.307C>G, p.Pro103Ala (NM_001282622.3, NM_001353978.3, NM_001353979.2 and 3 more transcripts); c.151-354C>G (NM_001146702.2); short protein forms P103A.
Identifiers: ClinVar variation 3360563 (VCV003360563.1).